The following is an entry in ClinVar:

NM_001365999.1(SZT2):c.8588A>C (p.His2863Pro)

Gene: SZT2 (SZT2 subunit of KICSTOR complex; plus strand). Cytogenetic location: 1p34.2.
Variant type: single nucleotide variant.
Coding change: c.8588A>C on transcript NM_001365999.1 (MANE Select); coding-DNA position 8588, A replaced by C.
Protein change: p.His2863Pro; replaces histidine 2863 with proline.
Molecular consequence: missense variant.
Genome position (GRCh38, 1-based): chr1:43,443,440, A>C. VCF-style: chr1-43443440-A-C. GRCh37 (hg19) VCF-style: chr1-43909111-A-C.
Other names: c.8417A>C, p.His2806Pro (NM_015284.4); short protein forms H2863P, H2806P.
Identifiers: ClinVar variation 1492528 (VCV001492528.7), dbSNP rs756982244, ClinGen allele CA340039704.

ClinVar aggregate classification (germline): Uncertain significance. Review status: criteria provided, multiple submitters, no conflicts (2 of 4 stars). 2 submissions from 2 submitters: Uncertain significance (2). Last evaluated 2024-10-15.

Submissions (2):

Labcorp Genetics (formerly Invitae), Labcorp
Classification: Uncertain significance. Last evaluated: 2024-10-15. Review status: criteria provided, single submitter. Criteria: Invitae Variant Classification Sherloc (09022015). Collection method: clinical testing. Allele origin: germline.
Comment: This sequence change replaces histidine, which is basic and polar, with proline, which is neutral and non-polar, at codon 2806 of the SZT2 protein (p.His2806Pro). This variant is not present in population databases (gnomAD no frequency). This variant has not been reported in the literature in individuals affected with SZT2-related conditions. ClinVar contains an entry for this variant (Variation ID: 1492528). Invitae Evidence Modeling of protein sequence and biophysical properties (such as structural, functional, and spatial information, amino acid conservation, physicochemical variation, residue mobility, and thermodynamic stability) indicates that this missense variant is not expected to disrupt SZT2 protein function with a negative predictive value of 80%. In summary, the available evidence is currently insufficient to determine the role of this variant in disease. Therefore, it has been classified as a Variant of Uncertain Significance.

Blueprint Genetics
Classification: Uncertain significance. Last evaluated: 2018-07-13. Review status: criteria provided, single submitter. Criteria: ACMG Guidelines, 2015. Collection method: clinical testing. Allele origin: germline.